The following is an entry in ClinVar:

NM_001386393.1(PANK2):c.1083-1G>A

Gene: PANK2 (pantothenate kinase 2; plus strand). Cytogenetic location: 20p13.
Variant type: single nucleotide variant.
Coding change: c.1083-1G>A on transcript NM_001386393.1 (MANE Select); the canonical splice acceptor site of the intron before coding-DNA position 1083, G replaced by A.
Molecular consequence: splice acceptor variant.
Genome position (GRCh38, 1-based): chr20:3,916,926, G>A. VCF-style: chr20-3916926-G-A. GRCh37 (hg19) VCF-style: chr20-3897573-G-A.
Other names: c.540-1G>A (NM_024960.6, NM_001324191.2, NM_153640.4); c.1413-1G>A (NM_153638.4); c.105-1G>A (NM_001324193.2).
Identifiers: ClinVar variation 2869523 (VCV002869523.3), dbSNP rs148987163, ClinGen allele CA408119212.

ClinVar aggregate classification (germline): Pathogenic (1 of 4 stars; one submission).

Conditions:
Pigmentary pallidal degeneration (NBIA1). Also called: Pantothenate Kinase-Associated Neurodegeneration; Neurodegeneration with brain iron accumulation 1; Neuroaxonal dystrophy, late infantile; Hallervorden-Spatz disease; PKAN NEUROAXONAL DYSTROPHY, JUVENILE-ONSET; HARP SYNDROME. Identifiers: Orphanet 157850, MedGen C0018523, MONDO:0009319, OMIM 234200.

Submission:

Labcorp Genetics (formerly Invitae), Labcorp
Classification: Pathogenic for Pigmentary pallidal degeneration. Last evaluated: 2023-09-01. Review status: criteria provided, single submitter. Criteria: Invitae Variant Classification Sherloc (09022015). Collection method: clinical testing. Allele origin: germline.
Comment: This sequence change affects an acceptor splice site in intron 4 of the PANK2 gene. It is expected to disrupt RNA splicing. Variants that disrupt the donor or acceptor splice site typically lead to a loss of protein function (PMID: 16199547), and loss-of-function variants in PANK2 are known to be pathogenic (PMID: 11479594, 12510040). This variant is not present in population databases (gnomAD no frequency). Disruption of this splice site has been observed in individual(s) with neurodegeneration with brain iron accumulation (PMID: 14638969). This variant is also known as IVS4-1G>T. Algorithms developed to predict the effect of sequence changes on RNA splicing suggest that this variant may disrupt the consensus splice site. For these reasons, this variant has been classified as Pathogenic.

Literature cited by the submitters: PubMed 16199547; PubMed 11479594; PubMed 12510040; PubMed 14638969.